The following is an entry in ClinVar:

NM_003919.3(SGCE):c.1038-2A>G

Genes: CASD1 (CAS1 domain sialic acid O acetyltransferase 1; plus strand), SGCE (sarcoglycan epsilon; minus strand). Cytogenetic location: 7q21.3.
Variant type: single nucleotide variant.
Coding change: c.1038-2A>G on transcript NM_003919.3 (MANE Select); the canonical splice acceptor site of the intron before coding-DNA position 1038, A replaced by G.
Molecular consequence: splice acceptor variant. On other transcripts: intron variant (6).
Genome position (GRCh38, 1-based): chr7:94,599,725, T>C on the plus strand (A>G on the coding strand, the complement: SGCE is on the minus strand). VCF-style: chr7-94599725-T-C. GRCh37 (hg19) VCF-style: chr7-94229037-T-C.
Other names: c.915-762A>G (NM_001362809.2); c.915-2A>G (NM_001301139.2); c.1038-762A>G (NM_001346717.2, NM_001099400.2); c.1038-2A>G (NM_001099401.2); c.1146-762A>G (NM_001346715.2); c.1146-2A>G (NM_001346713.2); c.951-762A>G (NM_001362807.2); c.765-762A>G (NM_001362808.2); and 2 more.
Identifiers: ClinVar variation 4855428 (VCV004855428.1).

ClinVar aggregate classification (germline): Likely pathogenic (1 of 4 stars; one submission).

Conditions:
Myoclonic dystonia 11 (DYT11). Also called: DYT-SGCE; SGCE Myoclonus-Dystonia; Myoclonus-Dystonia; Myoclonic dystonia; Dystonia 11; Dystonia, alcohol responsive. Identifiers: Orphanet 36899, MedGen C1834570, MONDO:0008044, OMIM 159900.

Submission:

3billion
Classification: Likely pathogenic for Myoclonic dystonia 11. Last evaluated: 2026-01-15. Review status: criteria provided, single submitter. Criteria: ACMG Guidelines, 2015. Collection method: clinical testing. Allele origin: germline. Affected: yes.
Comment: The variant is not observed in the gnomAD v4.1.0 dataset. Predicted Consequence/Location: Canonical splice site: predicted to alter splicing and result in a loss or disruption of normal protein function. Multiple pathogenic loss-of-function variants are reported downstream of the variant. In silico tools predict the variant to alter splicing and produce an abnormal transcript [SpliceAI: 0.99 (spliceogenicity >=0.2, non-spliceogenicity <0.1)]. Therefore, this variant is classified as Likely pathogenic according to the recommendation of ACMG/AMP guideline.